The following is an entry in ClinVar:

NM_003504.5(CDC45):c.1414C>A (p.His472Asn)

Gene: CDC45 (cell division cycle 45; plus strand). Cytogenetic location: 22q11.21.
Variant type: single nucleotide variant.
Coding change: c.1414C>A on transcript NM_003504.5 (MANE Select); coding-DNA position 1414, C replaced by A.
Protein change: p.His472Asn; replaces histidine 472 with asparagine.
Molecular consequence: missense variant.
Genome position (GRCh38, 1-based): chr22:19,515,022, C>A. VCF-style: chr22-19515022-C-A. GRCh37 (hg19) VCF-style: chr22-19502545-C-A.
Other names: c.1510C>A, p.His504Asn (NM_001178010.2); c.1276C>A, p.His426Asn (NM_001178011.2); c.1378C>A, p.His460Asn (NM_001369291.1); short protein forms H472N, H504N, H426N, H460N.
Identifiers: ClinVar variation 1364075 (VCV001364075.8), dbSNP rs1268738119, ClinGen allele CA410668838.
Genomic context (GRCh38, chr22:19,515,022, plus strand): 5'-CAGGGCACTCCAGATGTCATGCTGTTCTCTAGGCCGGCATCCCTAAGCCTGCTCAGCAAA[C>A]ACCTGCTCAAGTCCTTTGTGTGTTCGGTGAGGGGCCAGGCGGGTGCTGTGGGTACAGGAG-3'
Protein context (NP_003495.1, residues 462-482): RPASLSLLSK[His472Asn]LLKSFVCSTK

ClinVar aggregate classification (germline): Uncertain significance (1 of 4 stars; one submission).

Submission:

Labcorp Genetics (formerly Invitae), Labcorp
Classification: Uncertain significance. Last evaluated: 2021-03-22. Review status: criteria provided, single submitter. Criteria: Invitae Variant Classification Sherloc (09022015). Collection method: clinical testing. Allele origin: germline.
Comment: In summary, the available evidence is currently insufficient to determine the role of this variant in disease. Therefore, it has been classified as a Variant of Uncertain Significance. Algorithms developed to predict the effect of missense changes on protein structure and function are either unavailable or do not agree on the potential impact of this missense change (SIFT: "Deleterious"; PolyPhen-2: "Benign"; Align-GVGD: "Class C0"). This variant has not been reported in the literature in individuals with CDC45-related conditions. This variant is not present in population databases (ExAC no frequency). This sequence change replaces histidine with asparagine at codon 504 of the CDC45 protein (p.His504Asn). The histidine residue is moderately conserved and there is a small physicochemical difference between histidine and asparagine.